The following is an entry in ClinVar:

ClinVar aggregate classification (germline): Uncertain significance. Review status: criteria provided, multiple submitters, no conflicts (2 of 4 stars). 2 submissions from 2 submitters: Uncertain significance (2). Last evaluated 2025-12-28.

Conditions:
ABL1-related disorder. Also called: ABL1-related condition.

Submissions (2):

PreventionGenetics, part of Exact Sciences
Classification: Uncertain significance for ABL1-related condition. Last evaluated: 2025-12-28. Review status: criteria provided, single submitter. Criteria: ACMG Guidelines, 2015. Collection method: clinical testing. Allele origin: germline.
Comment: The ABL1 c.2031G>T variant is predicted to result in the amino acid substitution p.Lys677Asn. To our knowledge, this variant has not been reported in the literature or in a large population database (gnomAD), indicating this variant is rare. At this time, the clinical significance of this variant is uncertain due to the absence of conclusive functional and genetic evidence.

Labcorp Genetics (formerly Invitae), Labcorp
Classification: Uncertain significance. Last evaluated: 2024-06-25. Review status: criteria provided, single submitter. Criteria: Invitae Variant Classification Sherloc (09022015). Collection method: clinical testing. Allele origin: germline.
Comment: This sequence change replaces lysine, which is basic and polar, with asparagine, which is neutral and polar, at codon 677 of the ABL1 protein (p.Lys677Asn). This variant is not present in population databases (gnomAD no frequency). This variant has not been reported in the literature in individuals affected with ABL1-related conditions. Advanced modeling of protein sequence and biophysical properties (such as structural, functional, and spatial information, amino acid conservation, physicochemical variation, residue mobility, and thermodynamic stability) performed at Invitae indicates that this missense variant is not expected to disrupt ABL1 protein function with a negative predictive value of 95%. In summary, the available evidence is currently insufficient to determine the role of this variant in disease. Therefore, it has been classified as a Variant of Uncertain Significance.

NM_005157.6(ABL1):c.1974G>T (p.Lys658Asn)

Gene: ABL1 (ABL proto-oncogene 1, non-receptor tyrosine kinase; plus strand). Cytogenetic location: 9q34.12.
Variant type: single nucleotide variant.
Coding change: c.1974G>T on transcript NM_005157.6 (MANE Select); coding-DNA position 1974, G replaced by T.
Protein change: p.Lys658Asn; replaces lysine 658 with asparagine.
Molecular consequence: missense variant.
Genome position (GRCh38, 1-based): chr9:130,884,264, G>T. VCF-style: chr9-130884264-G-T. GRCh37 (hg19) VCF-style: chr9-133759651-G-T.
Other names: c.2031G>T, p.Lys677Asn (NM_007313.3); c.2031G>T (NM_007313.2); short protein forms K677N, K658N.
Identifiers: ClinVar variation 3687150 (VCV003687150.3).